The following is an entry in ClinVar:

NM_000996.4(RPL35A):c.101A>G (p.Tyr34Cys)

Genes: DRC9 (dynein regulatory complex subunit 9; minus strand), RPL35A (ribosomal protein L35a; plus strand). Cytogenetic location: 3q29.
Variant type: single nucleotide variant.
Coding change: c.101A>G on transcript NM_000996.4 (MANE Select); coding-DNA position 101, A replaced by G.
Protein change: p.Tyr34Cys; replaces tyrosine 34 with cysteine.
Molecular consequence: missense variant. On other transcripts: intron variant (3).
Genome position (GRCh38, 1-based): chr3:197,951,248, A>G. VCF-style: chr3-197951248-A-G. GRCh37 (hg19) VCF-style: chr3-197678119-A-G.
Other names: c.101A>G, p.Tyr34Cys (NM_001316311.2); c.-49-7197T>C (NM_001323028.2); c.-59-5562T>C (NM_032263.5); c.-374-5562T>C (NM_001323029.2); short protein forms Y34C.
Identifiers: ClinVar variation 3679687 (VCV003679687.2).
Genomic context (GRCh38, chr3:197,951,248, plus strand): 5'-ATAAGCGGGGTCTCCGGAACCAAAGGGAGCACACAGCTCTTCTTAAAATTGAAGGTGTTT[A>G]CGCCCGAGATGAAACAGAATTCTATTTGGGCAAGAGATGCGCTTATGTATATAAAGCAAA-3'
Protein context (NP_000987.2, residues 24-44): HTALLKIEGV[Tyr34Cys]ARDETEFYLG

ClinVar aggregate classification (germline): Uncertain significance (1 of 4 stars; one submission).

Conditions:
Diamond-Blackfan anemia 5 (DBA5). Also called: RPL35A-Related Diamond-Blackfan Anemia. Identifiers: Orphanet 124, MedGen C2675859, MONDO:0012925, OMIM 612528.

Submission:

Labcorp Genetics (formerly Invitae), Labcorp
Classification: Uncertain significance for Diamond-Blackfan anemia 5. Last evaluated: 2024-03-20. Review status: criteria provided, single submitter. Criteria: Invitae Variant Classification Sherloc (09022015). Collection method: clinical testing. Allele origin: germline.
Comment: This sequence change replaces tyrosine, which is neutral and polar, with cysteine, which is neutral and slightly polar, at codon 34 of the RPL35A protein (p.Tyr34Cys). This variant is not present in population databases (gnomAD no frequency). This variant has not been reported in the literature in individuals affected with RPL35A-related conditions. An algorithm developed to predict the effect of missense changes on protein structure and function (PolyPhen-2) suggests that this variant is likely to be tolerated. In summary, the available evidence is currently insufficient to determine the role of this variant in disease. Therefore, it has been classified as a Variant of Uncertain Significance.